The following is an entry in ClinVar:

ClinVar aggregate classification (germline): Likely benign. Review status: criteria provided, multiple submitters, no conflicts (2 of 4 stars). 2 submissions from 2 submitters: Likely benign (2). Last evaluated 2026-06-12.

Conditions:
DNAH1-related disorder. Also called: DNAH1-related condition.
Spermatogenic failure 18. Identifiers: MedGen C4539783, MONDO:0054615, OMIM 617576.
Ciliary dyskinesia, primary, 37 (CILD37). Also called: CILIARY DYSKINESIA, PRIMARY, 37, WITH OR WITHOUT SITUS INVERSUS. Identifiers: MedGen C4539798, MONDO:0033204, OMIM 617577.

gnomAD v4.1: 8 of 1,603,398 alleles (0.0005%); highest among the groups gnomAD compares: Admixed American, 0.014%; no homozygotes.

Submissions (2):

PreventionGenetics, part of Exact Sciences
Classification: Likely benign for DNAH1-related condition. Last evaluated: 2026-06-12. Review status: criteria provided, single submitter. Criteria: ACMG Guidelines, 2015. Collection method: clinical testing. Allele origin: germline.
Comment: This variant is classified as likely benign based on ACMG/AMP sequence variant interpretation guidelines (Richards et al. 2015 PMID: 25741868, with internal and published modifications).

Labcorp Genetics (formerly Invitae), Labcorp
Classification: Likely benign for Ciliary dyskinesia, primary, 37; Spermatogenic failure 18. Last evaluated: 2025-04-02. Review status: criteria provided, single submitter. Criteria: Invitae Variant Classification Sherloc (09022015). Collection method: clinical testing. Allele origin: germline.

NM_015512.5(DNAH1):c.5565A>T (p.Arg1855=)

Gene: DNAH1 (dynein axonemal heavy chain 1; plus strand). Cytogenetic location: 3p21.1.
Variant type: single nucleotide variant.
Coding change: c.5565A>T on transcript NM_015512.5 (MANE Select); coding-DNA position 5565, A replaced by T.
Protein change: p.Arg1855=; no amino-acid change (arginine 1855 retained).
Molecular consequence: synonymous variant.
Genome position (GRCh38, 1-based): chr3:52,366,503, A>T. VCF-style: chr3-52366503-A-T. GRCh37 (hg19) VCF-style: chr3-52400519-A-T.
Other names: c.5565A>T (NM_015512.4).
Identifiers: ClinVar variation 4782888 (VCV004782888.2).
Genomic context (GRCh38, chr3:52,366,503, plus strand): 5'-GCCATGTCCCCCAGGCTTCCTGACAAAGTGCATCCAGCTCTACGAGACCACGGTGGTACG[A>T]CACGGCCTCATGCTCGTCGGGCCCACAGGCTCCGGCAAGAGTACTGTAAGCAGAGCCAAG-3'
Protein context (NP_056327.4, residues 1845-1865): CIQLYETTVV[Arg1855=]HGLMLVGPTG